The following is an entry in ClinVar:

ClinVar aggregate classification (germline): Uncertain significance. Review status: criteria provided, multiple submitters, no conflicts (2 of 4 stars). 2 submissions from 2 submitters: Uncertain significance (2). Last evaluated 2025-02-10.

Allele frequency attached by ClinVar (database versions not stated): gnomAD 0.00005; ExAC 0.00008; ESP Exome Variant Server 0.00008.
gnomAD v4.1: 112 of 1,613,310 alleles (0.0069%); highest among the groups gnomAD compares: Middle Eastern, 0.049%; no homozygotes.

Submissions (2):

GeneDx
Classification: Uncertain significance. Last evaluated: 2025-02-10. Review status: criteria provided, single submitter. Criteria: GeneDx Variant Classification Process June 2021. Collection method: clinical testing. Allele origin: germline. Affected: yes.
Comment: Has not been previously published as pathogenic or benign to our knowledge; In silico analysis indicates that this missense variant does not alter protein structure/function

Labcorp Genetics (formerly Invitae), Labcorp
Classification: Uncertain significance. Last evaluated: 2022-09-13. Review status: criteria provided, single submitter. Criteria: Invitae Variant Classification Sherloc (09022015). Collection method: clinical testing. Allele origin: germline.
Comment: This sequence change replaces serine, which is neutral and polar, with threonine, which is neutral and polar, at codon 33 of the KRT10 protein (p.Ser33Thr). This variant is present in population databases (rs141187850, gnomAD 0.2%). This variant has not been reported in the literature in individuals affected with KRT10-related conditions. Advanced modeling of protein sequence and biophysical properties (such as structural, functional, and spatial information, amino acid conservation, physicochemical variation, residue mobility, and thermodynamic stability) performed at Invitae indicates that this missense variant is not expected to disrupt KRT10 protein function. In summary, the available evidence is currently insufficient to determine the role of this variant in disease. Therefore, it has been classified as a Variant of Uncertain Significance.

NM_000421.5(KRT10):c.97T>A (p.Ser33Thr)

Genes: KRT10 (keratin 10; minus strand), KRT10-AS1 (KRT10 antisense RNA 1; plus strand). Cytogenetic location: 17q21.2.
Variant type: single nucleotide variant.
Coding change: c.97T>A on transcript NM_000421.5 (MANE Select); coding-DNA position 97, T replaced by A.
Protein change: p.Ser33Thr; replaces serine 33 with threonine.
Molecular consequence: missense variant.
Genome position (GRCh38, 1-based): chr17:40,822,489, A>T on the plus strand (T>A on the coding strand, the complement: KRT10 is on the minus strand). VCF-style: chr17-40822489-A-T. GRCh37 (hg19) VCF-style: chr17-38978741-A-T.
Other names: c.97T>A, p.Ser33Thr (NM_001379366.1); short protein forms S33T.
Identifiers: ClinVar variation 2154854 (VCV002154854.2), dbSNP rs141187850, ClinGen allele CA8548361.